The following is an entry in ClinVar:

NM_004995.4(MMP14):c.446G>A (p.Arg149His)

Gene: MMP14 (matrix metallopeptidase 14; plus strand). Cytogenetic location: 14q11.2.
Variant type: single nucleotide variant.
Coding change: c.446G>A on transcript NM_004995.4 (MANE Select); coding-DNA position 446, G replaced by A.
Protein change: p.Arg149His; replaces arginine 149 with histidine.
Molecular consequence: missense variant.
Genome position (GRCh38, 1-based): chr14:22,842,475, G>A. VCF-style: chr14-22842475-G-A. GRCh37 (hg19) VCF-style: chr14-23311684-G-A.
Other names: short protein forms R149H.
Identifiers: ClinVar variation 2154877 (VCV002154877.4), dbSNP rs768334466, ClinGen allele CA7105178.
Genomic context (GRCh38, chr14:22,842,475, plus strand): 5'-AGAATTACACCCCCAAGGTGGGCGAGTATGCCACATACGAGGCCATTCGCAAGGCGTTCC[G>A]CGTGTGGGAGAGTGCCACACCACTGCGCTTCCGCGAGGTGCCCTATGCCTACATCCGTGA-3'
Protein context (NP_004986.1, residues 139-159): ATYEAIRKAF[Arg149His]VWESATPLRF

ClinVar aggregate classification (germline): Uncertain significance (1 of 4 stars; one submission).

Allele frequency attached by ClinVar (database versions not stated): ExAC 0.00004; gnomAD exomes 0.00004; gnomAD 0.00005; TOPMed 0.00006.

Submission:

Labcorp Genetics (formerly Invitae), Labcorp
Classification: Uncertain significance. Last evaluated: 2025-03-17. Review status: criteria provided, single submitter. Criteria: Invitae Variant Classification Sherloc (09022015). Collection method: clinical testing. Allele origin: germline.
Comment: This sequence change replaces arginine, which is basic and polar, with histidine, which is basic and polar, at codon 149 of the MMP14 protein (p.Arg149His). This variant is present in population databases (rs768334466, gnomAD 0.02%). This variant has not been reported in the literature in individuals affected with MMP14-related conditions. ClinVar contains an entry for this variant (Variation ID: 2154877). Invitae Evidence Modeling of protein sequence and biophysical properties (such as structural, functional, and spatial information, amino acid conservation, physicochemical variation, residue mobility, and thermodynamic stability) indicates that this missense variant is not expected to disrupt MMP14 protein function with a negative predictive value of 80%. In summary, the available evidence is currently insufficient to determine the role of this variant in disease. Therefore, it has been classified as a Variant of Uncertain Significance.